The following is an entry in ClinVar:

ClinVar aggregate classification (germline): Uncertain significance. Review status: criteria provided, multiple submitters, no conflicts (2 of 4 stars). 4 submissions from 4 submitters: Uncertain significance (4). Last evaluated 2024-10-29.

Conditions:
Inborn genetic diseases. Identifiers: MedGen C0950123, MeSH D030342.
Combined oxidative phosphorylation deficiency 22 (COXPD22). Identifiers: MedGen C4015062, MONDO:0020727, OMIM 616045.

Allele frequency attached by ClinVar (database versions not stated): TOPMed 0.00005; gnomAD exomes below 0.00001 and 0.00001; ExAC 0.00002; gnomAD 0.00004 and 0.00002.
gnomAD v4.1: 27 of 1,602,254 alleles (0.0017%); highest among the groups gnomAD compares: East Asian, 0.013%; no homozygotes.

Submissions (4):

Labcorp Genetics (formerly Invitae), Labcorp
Classification: Uncertain significance. Last evaluated: 2024-10-29. Review status: criteria provided, single submitter. Criteria: Invitae Variant Classification Sherloc (09022015). Collection method: clinical testing. Allele origin: germline.
Comment: This sequence change replaces serine, which is neutral and polar, with proline, which is neutral and non-polar, at codon 99 of the ATP5A1 protein (p.Ser99Pro). This variant is present in population databases (rs745896289, gnomAD 0.01%). This variant has not been reported in the literature in individuals affected with ATP5A1-related conditions. ClinVar contains an entry for this variant (Variation ID: 1034338). Invitae Evidence Modeling of protein sequence and biophysical properties (such as structural, functional, and spatial information, amino acid conservation, physicochemical variation, residue mobility, and thermodynamic stability) indicates that this missense variant is not expected to disrupt ATP5A1 protein function with a negative predictive value of 80%. In summary, the available evidence is currently insufficient to determine the role of this variant in disease. Therefore, it has been classified as a Variant of Uncertain Significance.

GeneDx
Classification: Uncertain significance. Last evaluated: 2024-10-23. Review status: criteria provided, single submitter. Criteria: GeneDx Variant Classification Process June 2021. Collection method: clinical testing. Allele origin: germline.
Comment: Has not been previously published as pathogenic or benign to our knowledge; In silico analysis supports that this missense variant has a deleterious effect on protein structure/function

Ambry Genetics
Classification: Uncertain significance for Inborn genetic diseases. Last evaluated: 2024-07-16. Review status: criteria provided, single submitter. Criteria: Ambry Variant Classification Scheme 2023. Collection method: clinical testing. Allele origin: germline.

Baylor Genetics
Classification: Uncertain significance for Combined oxidative phosphorylation deficiency 22. Last evaluated: 2018-06-28. Review status: criteria provided, single submitter. Criteria: ACMG Guidelines, 2015. Collection method: clinical testing. Allele origin: unknown. Affected: yes.
Comment: This variant was determined to be of uncertain significance according to ACMG Guidelines, 2015 [PMID:25741868].

NM_004046.6(ATP5F1A):c.295T>C (p.Ser99Pro)

Gene: ATP5F1A (ATP synthase F1 subunit alpha; minus strand). Cytogenetic location: 18q21.1.
Variant type: single nucleotide variant.
Coding change: c.295T>C on transcript NM_004046.6 (MANE Select); coding-DNA position 295, T replaced by C.
Protein change: p.Ser99Pro; replaces serine 99 with proline.
Molecular consequence: missense variant.
Genome position (GRCh38, 1-based): chr18:46,091,696, A>G on the plus strand (T>C on the coding strand, the complement: ATP5F1A is on the minus strand). VCF-style: chr18-46091696-A-G. GRCh37 (hg19) VCF-style: chr18-43671662-A-G.
Other names: c.145T>C, p.Ser49Pro (NM_001001935.3, NM_001257335.2); c.295T>C, p.Ser99Pro (NM_001001937.2, NM_001257334.2); short protein forms S99P, S49P.
Identifiers: ClinVar variation 1034338 (VCV001034338.8), dbSNP rs745896289, ClinGen allele CA8950854.